The following is an entry in ClinVar:

ClinVar aggregate classification (germline): Conflicting classifications of pathogenicity. Review status: criteria provided, conflicting classifications (1 of 4 stars). 4 submissions from 4 submitters: Uncertain significance (2); Likely benign (2). Last evaluated 2025-10-28.

Conditions:
Inborn genetic diseases. Identifiers: MedGen C0950123, MeSH D030342.

Allele frequency attached by ClinVar (database versions not stated): gnomAD 0.00001; gnomAD exomes 0.00003 and 0.00008; TOPMed 0.00005; ExAC 0.00007.
gnomAD v4.1: 41 of 1,613,468 alleles (0.0025%); highest among the groups gnomAD compares: Admixed American, 0.032%; no homozygotes.

Submissions (4):

Labcorp Genetics (formerly Invitae), Labcorp
Classification: Uncertain significance. Last evaluated: 2025-10-28. Review status: criteria provided, single submitter. Criteria: Invitae Variant Classification Sherloc (09022015). Collection method: clinical testing. Allele origin: germline.
Comment: This sequence change replaces arginine, which is basic and polar, with tryptophan, which is neutral and slightly polar, at codon 208 of the PDE4D protein (p.Arg208Trp). This variant is present in population databases (rs775608955, gnomAD 0.05%), and has an allele count higher than expected for a pathogenic variant. This variant has not been reported in the literature in individuals affected with PDE4D-related conditions. ClinVar contains an entry for this variant (Variation ID: 1422853). Invitae Evidence Modeling of protein sequence and biophysical properties (such as structural, functional, and spatial information, amino acid conservation, physicochemical variation, residue mobility, and thermodynamic stability) indicates that this missense variant is expected to disrupt PDE4D protein function with a positive predictive value of 80%. In summary, the available evidence is currently insufficient to determine the role of this variant in disease. Therefore, it has been classified as a Variant of Uncertain Significance.

Ambry Genetics
Classification: Likely benign for Inborn genetic diseases. Last evaluated: 2024-05-26. Review status: criteria provided, single submitter. Criteria: Ambry Variant Classification Scheme 2023. Collection method: clinical testing. Allele origin: germline.

CeGaT Center for Human Genetics Tuebingen
Classification: Likely benign. Last evaluated: 2023-09-01. Review status: criteria provided, single submitter. Criteria: CeGaT Center For Human Genetics Tuebingen Variant Classification Criteria Version 2. Collection method: clinical testing. Allele origin: germline. Affected: yes. Observed: 1 variant allele.
Comment: PDE4D: PP3, BS2

Breakthrough Genomics
Classification: Uncertain significance. Review status: criteria provided, single submitter. Criteria: ACMG Guidelines, 2015. Collection method: not provided. Allele origin: germline. Inheritance: Autosomal dominant inheritance. Affected: yes.

NM_001104631.2(PDE4D):c.622C>T (p.Arg208Trp)

Gene: PDE4D (phosphodiesterase 4D; minus strand). Cytogenetic location: 5q11.2.
Variant type: single nucleotide variant.
Coding change: c.622C>T on transcript NM_001104631.2 (MANE Select); coding-DNA position 622, C replaced by T.
Protein change: p.Arg208Trp; replaces arginine 208 with tryptophan.
Molecular consequence: missense variant. On other transcripts: 5 prime UTR variant (3).
Genome position (GRCh38, 1-based): chr5:59,215,802, G>A on the plus strand (C>T on the coding strand, the complement: PDE4D is on the minus strand). VCF-style: chr5-59215802-G-A. GRCh37 (hg19) VCF-style: chr5-58511628-G-A.
Other names: c.439C>T, p.Arg147Trp (NM_001165899.2, NM_001364599.1, NM_001364600.2); c.430C>T, p.Arg144Trp (NM_001197218.2, NM_001364601.1, NM_001364602.2); c.256C>T, p.Arg86Trp (NM_001197219.2); c.232C>T, p.Arg78Trp (NM_001197220.2); c.409C>T, p.Arg137Trp (NM_001349241.2); c.292C>T, p.Arg98Trp (NM_001349242.2); c.-73C>T (NM_001349243.2, NM_001364604.1); c.-329C>T (NM_001364603.1); and 2 more; short protein forms R208W, R78W, R98W, R147W, R137W, R144W, R72W, R86W.
Identifiers: ClinVar variation 1422853 (VCV001422853.31), dbSNP rs775608955, ClinGen allele CA3276398.